The following is an entry in ClinVar:

NM_007215.4(POLG2):c.1196G>T (p.Cys399Phe)

Genes: MILR1 (mast cell immunoglobulin like receptor 1; plus strand), POLG2 (DNA polymerase gamma 2, accessory subunit; minus strand). Cytogenetic location: 17q23.3.
Variant type: single nucleotide variant.
Coding change: c.1196G>T on transcript NM_007215.4 (MANE Select); coding-DNA position 1196, G replaced by T.
Protein change: p.Cys399Phe; replaces cysteine 399 with phenylalanine.
Molecular consequence: missense variant.
Genome position (GRCh38, 1-based): chr17:64,480,385, C>A on the plus strand (G>T on the coding strand, the complement: POLG2 is on the minus strand). VCF-style: chr17-64480385-C-A. GRCh37 (hg19) VCF-style: chr17-62476502-C-A.
Other names: short protein forms C399F.
Identifiers: ClinVar variation 2807408 (VCV002807408.3), dbSNP rs1555666274, ClinGen allele CA400636555.

ClinVar aggregate classification (germline): Uncertain significance (1 of 4 stars; one submission).

gnomAD v4.1: 1 of 1,512,786 alleles (0.000066%); highest among the groups gnomAD compares: Non-Finnish European, 0.000092%; no homozygotes.

Submission:

Labcorp Genetics (formerly Invitae), Labcorp
Classification: Uncertain significance. Last evaluated: 2023-01-30. Review status: criteria provided, single submitter. Criteria: Invitae Variant Classification Sherloc (09022015). Collection method: clinical testing. Allele origin: germline.
Comment: This sequence change replaces cysteine, which is neutral and slightly polar, with phenylalanine, which is neutral and non-polar, at codon 399 of the POLG2 protein (p.Cys399Phe). This variant is not present in population databases (gnomAD no frequency). This variant has not been reported in the literature in individuals affected with POLG2-related conditions. Algorithms developed to predict the effect of missense changes on protein structure and function are either unavailable or do not agree on the potential impact of this missense change (SIFT: "Deleterious"; PolyPhen-2: "Probably Damaging"; Align-GVGD: "Class C0"). In summary, the available evidence is currently insufficient to determine the role of this variant in disease. Therefore, it has been classified as a Variant of Uncertain Significance.